The following is an entry in ClinVar:

NM_000505.4(F12):c.530C>T (p.Ala177Val)

Gene: F12 (coagulation factor XII; minus strand). Cytogenetic location: 5q35.3.
Variant type: single nucleotide variant.
Coding change: c.530C>T on transcript NM_000505.4 (MANE Select); coding-DNA position 530, C replaced by T.
Protein change: p.Ala177Val; replaces alanine 177 with valine.
Molecular consequence: missense variant.
Genome position (GRCh38, 1-based): chr5:177,404,914, G>A on the plus strand (C>T on the coding strand, the complement: F12 is on the minus strand). VCF-style: chr5-177404914-G-A. GRCh37 (hg19) VCF-style: chr5-176831915-G-A.
Other names: short protein forms A177V.
Identifiers: ClinVar variation 983439 (VCV000983439.3), dbSNP rs144821595, ClinGen allele CA3581452.
Genomic context (GRCh38, chr5:177,404,914, plus strand): 5'-AGGCGGTGGCCCTCCACCTCTAGGCAGCGACCCCCATGGAGGCACGGGTTGGTGCGGCAG[G>A]CTTGGGGAGGGAACGCAGTGAGCCACCCCTGGGCCTAAAGACCCCCCCAGAGAGCTCTCC-3'
Protein context (NP_000496.2, residues 167-187): DAHCQRLASQ[Ala177Val]CRTNPCLHGG

ClinVar aggregate classification (germline): Conflicting classifications of pathogenicity. Review status: criteria provided, conflicting classifications (1 of 4 stars). 2 submissions from 2 submitters: Uncertain significance (1); Benign (1). Last evaluated 2026-07-22.

Conditions:
F12-related disorder. Also called: F12-related disorders; F12-related condition. Identifiers: MedGen CN239389.
Hereditary angioedema type 3 (HAE3). Also called: HAE WITH NORMAL C1 INHIBITOR CONCENTRATION AND FUNCTION; ANGIONEUROTIC EDEMA, HEREDITARY, WITH NORMAL C1 INHIBITOR CONCENTRATION AND FUNCTION; ESTROGEN-RELATED HAE; ESTROGEN-SENSITIVE HAE. Identifiers: Orphanet 100054, MedGen C1857728, MONDO:0012526, OMIM 610618.

Allele frequency attached by ClinVar (database versions not stated): gnomAD 0.00004 and 0.00005; gnomAD exomes 0.00004; TOPMed 0.00004; ExAC 0.00009; ESP Exome Variant Server 0.00015.
gnomAD v4.1: 66 of 1,601,208 alleles (0.0041%); highest among the groups gnomAD compares: Non-Finnish European, 0.0051%; no homozygotes.

Submissions (2):

PreventionGenetics, part of Exact Sciences
Classification: Uncertain significance for F12-related condition. Last evaluated: 2026-07-22. Review status: criteria provided, single submitter. Criteria: ACMG Guidelines, 2015. Collection method: clinical testing. Allele origin: germline.
Comment: The F12 c.530C>T variant is predicted to result in the amino acid substitution p.Ala177Val. To our knowledge, this variant has not been reported in the literature. This variant is reported in 0.0060% of alleles in individuals of European (Non-Finnish) descent in gnomAD. At this time, the clinical significance of this variant is uncertain due to the absence of conclusive functional and genetic evidence.

CeMIA
Classification: Benign for Hereditary angioedema type 3. Review status: criteria provided, single submitter. Criteria: ACMG Guidelines, 2015. Collection method: clinical testing. Allele origin: germline. Affected: no. Observed: 5 variant alleles.
Comment: Bioinformatic analysis by SIFT and PolyPhen2 algorithms predicted this mutation as tolerated and benign, respectively. It has been detected in 0.004474% alleles worldwide (gnomAD database) and its allele frequency is greater than that expected for FXII-HAE. Taking all the above into account and according to ACMG Guidelines (Criteria: BS1, BS2, BP4) the variant is considered benign.